The following is an entry in ClinVar:

NM_000540.3(RYR1):c.9785G>C (p.Arg3262Pro)

Gene: RYR1 (ryanodine receptor 1; plus strand). Cytogenetic location: 19q13.2.
Variant type: single nucleotide variant.
Coding change: c.9785G>C on transcript NM_000540.3 (MANE Select); coding-DNA position 9785, G replaced by C.
Protein change: p.Arg3262Pro; replaces arginine 3262 with proline.
Molecular consequence: missense variant.
Genome position (GRCh38, 1-based): chr19:38,517,458, G>C. VCF-style: chr19-38517458-G-C. GRCh37 (hg19) VCF-style: chr19-39008098-G-C.
Other names: c.9785G>C, p.Arg3262Pro (NM_001042723.2); c.9785G>C (NM_000540.2); short protein forms R3262P.
Identifiers: ClinVar variation 1487515 (VCV001487515.9), dbSNP rs200855514, ClinGen allele CA074149.

ClinVar aggregate classification (germline): Uncertain significance. Review status: criteria provided, multiple submitters, no conflicts (2 of 4 stars). 2 submissions from 2 submitters: Uncertain significance (2). Last evaluated 2026-01-20.

Conditions:
Inborn genetic diseases. Identifiers: MedGen C0950123, MeSH D030342.
RYR1-related disorder. Also called: RYR1-related condition; RYR1-related disorders. Identifiers: MedGen CN239331.

gnomAD v4.1: 1 of 1,614,044 alleles (0.000062%); highest among the groups gnomAD compares: South Asian, 0.0011%; no homozygotes.

Submissions (2):

Ambry Genetics
Classification: Uncertain significance for Inborn genetic diseases. Last evaluated: 2026-01-20. Review status: criteria provided, single submitter. Criteria: Ambry Variant Classification Scheme 2023. Collection method: clinical testing. Allele origin: germline.
Comment: The c.9785G>C (p.R3262P) alteration is located in exon 66 (coding exon 66) of the RYR1 gene. This alteration results from a G to C substitution at nucleotide position 9785, causing the arginine (R) at amino acid position 3262 to be replaced by a proline (P). Based on data from gnomAD, the C allele has an overall frequency of <0.001% (1/250156) total alleles studied. The highest observed frequency was 0.003% (1/30616) of South Asian alleles. Based on insufficient or conflicting evidence, the clinical significance of this alteration remains unclear.

Labcorp Genetics (formerly Invitae), Labcorp
Classification: Uncertain significance for RYR1-related disorder. Last evaluated: 2021-04-10. Review status: criteria provided, single submitter. Criteria: Invitae Variant Classification Sherloc (09022015). Collection method: clinical testing. Allele origin: germline.
Comment: In summary, the available evidence is currently insufficient to determine the role of this variant in disease. Therefore, it has been classified as a Variant of Uncertain Significance. Advanced modeling of protein sequence and biophysical properties (such as structural, functional, and spatial information, amino acid conservation, physicochemical variation, residue mobility, and thermodynamic stability) performed at Invitae indicates that this missense variant is expected to disrupt RYR1 protein function. This variant has not been reported in the literature in individuals with RYR1-related conditions. This variant is present in population databases (rs200855514, ExAC 0.006%). This sequence change replaces arginine with proline at codon 3262 of the RYR1 protein (p.Arg3262Pro). The arginine residue is highly conserved and there is a moderate physicochemical difference between arginine and proline.